The following is an entry in ClinVar:

NM_078480.3(PUF60):c.1242G>C (p.Glu414Asp)

Gene: PUF60 (poly(U) binding splicing factor 60; minus strand). Cytogenetic location: 8q24.3.
Variant type: single nucleotide variant.
Coding change: c.1242G>C on transcript NM_078480.3 (MANE Select); coding-DNA position 1242, G replaced by C.
Protein change: p.Glu414Asp; replaces glutamic acid 414 with aspartic acid.
Molecular consequence: missense variant.
Genome position (GRCh38, 1-based): chr8:143,817,048, C>G on the plus strand (G>C on the coding strand, the complement: PUF60 is on the minus strand). VCF-style: chr8-143817048-C-G. GRCh37 (hg19) VCF-style: chr8-144899218-C-G.
Other names: c.1113G>C, p.Glu371Asp (NM_001136033.3); c.1188G>C, p.Glu396Asp (NM_001271096.2); c.1104G>C, p.Glu368Asp (NM_001271097.2); c.1239G>C, p.Glu413Asp (NM_001271098.2); c.1155G>C, p.Glu385Asp (NM_001271099.2); c.1062G>C, p.Glu354Asp (NM_001271100.2); c.1353G>C, p.Glu451Asp (NM_001362895.2, NM_001362896.2); c.1302G>C, p.Glu434Asp (NM_001362897.2); and 1 more; short protein forms E354D, E368D, E371D, E385D, E396D, E397D, E413D, E414D.
Identifiers: ClinVar variation 3363943 (VCV003363943.1).

ClinVar aggregate classification (germline): Uncertain significance (1 of 4 stars; one submission).

Submission:

GeneDx
Classification: Uncertain significance. Last evaluated: 2023-11-28. Review status: criteria provided, single submitter. Criteria: GeneDx Variant Classification Process June 2021. Collection method: clinical testing. Allele origin: germline. Affected: yes.
Comment: Not observed at significant frequency in large population cohorts (gnomAD); In silico analysis supports that this missense variant does not alter protein structure/function; Has not been previously published as pathogenic or benign to our knowledge